The following is an entry in ClinVar:

NM_001177316.2(SLC34A3):c.1561dup (p.Leu521fs)

Gene: SLC34A3 (solute carrier family 34 member 3; plus strand). Cytogenetic location: 9q34.3.
Variant type: Duplication.
Coding change: c.1561dup on transcript NM_001177316.2 (MANE Select); coding-DNA position 1561, one base duplicated (C; older notation c.1561dupC).
Protein change: p.Leu521fs; shifts the reading frame from leucine 521.
Molecular consequence: frameshift variant.
Genome position (GRCh38, 1-based): chr9:137,236,177, C duplicated; the last of 4 consecutive C bases (chr9:137,236,174-137,236,177); duplicating any one gives the same sequence. VCF-style (leftmost placement, unchanged base first): chr9-137236173-T-TC. GRCh37 (hg19) VCF-style: chr9-140130625-T-TC.
Other names: c.1561dupC (NM_080877.2); c.1561dup, p.Leu521fs (NM_001177317.2, NM_080877.3); short protein forms L521fs.
Identifiers: ClinVar variation 444095 (VCV000444095.31), dbSNP rs765816079, ClinGen allele CA5364994.

ClinVar aggregate classification (germline): Pathogenic/Likely pathogenic. Review status: criteria provided, multiple submitters, no conflicts (2 of 4 stars). 10 submissions from 10 submitters: Pathogenic (6); Likely pathogenic (4). Last evaluated 2025-10-28.

Conditions:
SLC34A3-related disorder. Also called: SLC34A3-related condition.
Autosomal recessive hypophosphatemic bone disease (HHRH). Also called: Hypophosphatemic rickets with hypercalciuria; HYPERCALCIURIC RICKETS. Identifiers: Orphanet 157215, MedGen C1853271, MONDO:0009431, OMIM 241530.

Submissions (10):

PreventionGenetics, part of Exact Sciences
Classification: Pathogenic for SLC34A3-related condition. Last evaluated: 2025-10-28. Review status: criteria provided, single submitter. Criteria: ACMG Guidelines, 2015. Collection method: clinical testing. Allele origin: germline.
Comment: The SLC34A3 c.1561dupC variant is predicted to result in a frameshift and premature protein termination (p.Leu521Profs*72). This variant was reported in the homozygous state in an individual with hypophosphataemic rickets with hypercalciuria (Domingo-Gallego A et al 2022. PubMed ID: 33532864). This variant was also reported to possibly show digenic inheritance in a family with an additional missense variant in SLC34A1 and varying degrees of hypophosphataemic rickets with hypercalciuria (Gordon et al 2020. PubMed ID: 32311027). This variant is reported in 0.026% of alleles in individuals of Latino descent in gnomAD. Frameshift variants in SLC34A3 are expected to be pathogenic. This variant is interpreted as pathogenic.

Labcorp Genetics (formerly Invitae), Labcorp
Classification: Pathogenic. Last evaluated: 2025-08-05. Review status: criteria provided, single submitter. Criteria: Invitae Variant Classification Sherloc (09022015). Collection method: clinical testing. Allele origin: germline.
Comment: This sequence change creates a premature translational stop signal (p.Leu521Profs*72) in the SLC34A3 gene. While this is not anticipated to result in nonsense mediated decay, it is expected to disrupt the last 79 amino acid(s) of the SLC34A3 protein. This variant is present in population databases (rs765816079, gnomAD 0.03%). This variant has not been reported in the literature in individuals affected with SLC34A3-related conditions. ClinVar contains an entry for this variant (Variation ID: 444095). This variant disrupts a region of the SLC34A3 protein in which other variant(s) (p.Trp541*) have been determined to be pathogenic (PMID: 31440709). This suggests that this is a clinically significant region of the protein, and that variants that disrupt it are likely to be disease-causing. For these reasons, this variant has been classified as Pathogenic.

Blueprint Genetics
Classification: Pathogenic for SLC34A3-related disorders. Last evaluated: 2024-11-26. Review status: criteria provided, single submitter. Criteria: ACMG Guidelines, 2015. Collection method: clinical testing. Allele origin: germline. Affected: yes. Observed: 5 variant alleles.

GeneDx
Classification: Likely pathogenic. Last evaluated: 2023-05-10. Review status: criteria provided, single submitter. Criteria: GeneDx Variant Classification Process June 2021. Collection method: clinical testing. Allele origin: germline. Affected: yes.
Comment: Frameshift variant predicted to result in protein truncation, as the last 79 amino acids are replaced with 71 different amino acids, and other loss-of-function variants have been reported downstream in the Human Gene Mutation Database (HGMD); Not observed at significant frequency in large population cohorts (gnomAD); This variant is associated with the following publications: (PMID: 24077912, 33532864, 27535533, 32311027)

Clinical Genetics Laboratory, Skane University Hospital Lund
Classification: Likely pathogenic. Last evaluated: 2022-07-13. Review status: criteria provided, single submitter. Criteria: ACMG Guidelines, 2015. Collection method: clinical testing. Allele origin: germline. Affected: yes.

Fulgent Genetics
Classification: Pathogenic for Autosomal recessive hypophosphatemic bone disease. Last evaluated: 2021-11-24. Review status: criteria provided, single submitter. Criteria: ACMG Guidelines, 2015. Collection method: clinical testing. Allele origin: unknown.

Revvity Omics, Revvity
Classification: Likely pathogenic for Autosomal recessive hypophosphatemic bone disease. Last evaluated: 2020-07-29. Review status: criteria provided, single submitter. Criteria: ACMG Guidelines, 2015. Collection method: clinical testing. Allele origin: germline.

Molecular Biology Laboratory, Fundació Puigvert
Classification: Pathogenic for Autosomal recessive hypophosphatemic bone disease. Last evaluated: 2020-02-01. Review status: criteria provided, single submitter. Criteria: ACMG Guidelines, 2015. Collection method: research. Allele origin: inherited. Affected: yes. Study: KidneyPanel_2020.

Institute of Human Genetics Munich, TUM University Hospital
Classification: Pathogenic for Autosomal recessive hypophosphatemic bone disease. Last evaluated: 2013-11-19. Review status: criteria provided, single submitter. Criteria: Classification criteria August 2017. Collection method: clinical testing. Allele origin: maternal. Inheritance: Autosomal recessive inheritance. Affected: yes. Observed: 1 compound heterozygote.

Clinical Genetics Service, Universitary Hospital 12 de Octubre
Classification: Likely pathogenic for Autosomal recessive hypophosphatemic bone disease. Review status: criteria provided, single submitter. Criteria: ACMG Guidelines, 2015. Collection method: clinical testing. Allele origin: germline. Affected: yes.

Literature cited by the submitters: PubMed 31440709 (cited by Labcorp Genetics (formerly Invitae), Labcorp); PubMed 33532864 (cited by Molecular Biology Laboratory, Fundació Puigvert).